The following is an entry in ClinVar:

NM_003036.4(SKI):c.1767+9G>C

Gene: SKI (SKI proto-oncogene; plus strand). Cytogenetic location: 1p36.32.
Variant type: single nucleotide variant.
Coding change: c.1767+9G>C on transcript NM_003036.4 (MANE Select); 9 bases into the intron after coding-DNA position 1767, G replaced by C.
Molecular consequence: intron variant.
Genome position (GRCh38, 1-based): chr1:2,304,594, G>C. VCF-style: chr1-2304594-G-C. GRCh37 (hg19) VCF-style: chr1-2236033-G-C.
Identifiers: ClinVar variation 696199 (VCV000696199.36), dbSNP rs181520853, ClinGen allele CA536781.
Genomic context (GRCh38, chr1:2,304,594, plus strand): 5'-GCAGGAGGAGAAGCTCAGCGCAGCCCTGCAGGCCAAGCGCAGCCTCCACCAGGTGAGCGG[G>C]GCGAGTGGTGCTGGGAGGTCCAGGGCACGGGCAGTGAGCACAGCCTGCACCAGGTGAACG-3'

ClinVar aggregate classification (germline): Benign. Review status: criteria provided, multiple submitters, no conflicts (2 of 4 stars). 4 submissions from 4 submitters: Benign (3). 1 of the submissions does not count toward it. Last evaluated 2026-05-29.

Conditions:
SKI-related disorder. Also called: SKI-related condition.
Shprintzen-Goldberg syndrome (SGS). Also called: Marfanoid disorder with craniosynostosis type 1; Marfanoid craniosynostosis syndrome; Shprintzen-Goldberg marfanoid syndrome; SHPRINTZEN-GOLDBERG CRANIOSYNOSTOSIS SYNDROME; CRANIOSYNOSTOSIS WITH ARACHNODACTYLY AND ABDOMINAL HERNIAS. Identifiers: Orphanet 2462, MedGen C1321551, MONDO:0008426, OMIM 182212.

Allele frequency attached by ClinVar (database versions not stated): gnomAD exomes 0.00028; ExAC 0.00068; TOPMed 0.00082; ESP Exome Variant Server 0.00086; 1000 Genomes Project 30x 0.00172; 1000 Genomes Project 0.00200.
gnomAD v4.1: 259 of 1,544,502 alleles (0.017%); highest among the groups gnomAD compares: African/African-American, 0.33%; no homozygotes.

Submissions (4):

Women's Health and Genetics/Laboratory Corporation of America, LabCorp
Classification: Benign. Last evaluated: 2026-05-29. Review status: criteria provided, single submitter. Criteria: LabCorp Variant Classification Summary - May 2015. Collection method: clinical testing. Allele origin: germline.

Labcorp Genetics (formerly Invitae), Labcorp
Classification: Benign for Shprintzen-Goldberg syndrome. Last evaluated: 2026-01-20. Review status: criteria provided, single submitter. Criteria: Invitae Variant Classification Sherloc (09022015). Collection method: clinical testing. Allele origin: germline.

CeGaT Center for Human Genetics Tuebingen
Classification: Benign. Last evaluated: 2022-07-01. Review status: criteria provided, single submitter. Criteria: CeGaT Center For Human Genetics Tuebingen Variant Classification Criteria Version 2. Collection method: clinical testing. Allele origin: germline. Affected: yes. Observed: 2 variant alleles.
Comment: SKI: BS1, BS2

PreventionGenetics, part of Exact Sciences
Classification: Likely benign for SKI-related condition. Last evaluated: 2020-03-19. Review status: no assertion criteria provided. Collection method: clinical testing. Allele origin: germline. Not counted in ClinVar's aggregate classification.
Comment: This variant is classified as likely benign based on ACMG/AMP sequence variant interpretation guidelines (Richards et al. 2015 PMID: 25741868, with internal and published modifications).